The following is an entry in ClinVar:

NM_002292.4(LAMB2):c.4923+1G>T

Gene: LAMB2 (laminin subunit beta 2; minus strand). Cytogenetic location: 3p21.31.
Variant type: single nucleotide variant.
Coding change: c.4923+1G>T on transcript NM_002292.4 (MANE Select); the canonical splice donor site of the intron after coding-DNA position 4923, G replaced by T.
Molecular consequence: splice donor variant.
Genome position (GRCh38, 1-based): chr3:49,121,943, C>A on the plus strand (G>T on the coding strand, the complement: LAMB2 is on the minus strand). VCF-style: chr3-49121943-C-A. GRCh37 (hg19) VCF-style: chr3-49159376-C-A.
Identifiers: ClinVar variation 2256835 (VCV002256835.2), dbSNP rs2045286663, ClinGen allele CA352686331.

ClinVar aggregate classification (germline): Likely pathogenic (1 of 4 stars; one submission).

Conditions:
Inborn genetic diseases. Identifiers: MedGen C0950123, MeSH D030342.

Submission:

Ambry Genetics
Classification: Likely pathogenic for Inborn genetic diseases. Last evaluated: 2021-12-08. Review status: criteria provided, single submitter. Criteria: Ambry Variant Classification Scheme 2023. Collection method: clinical testing. Allele origin: germline.
Comment: The c.4923+1G>T intronic variant results from a G to T substitution one nucleotide after coding exon 29 of the LAMB2 gene. Alterations that disrupt the canonical splice site are expected to cause aberrant splicing, resulting in an abnormal protein or a transcript that is subject to nonsense-mediated mRNA decay. This variant was not reported in population-based cohorts in the Genome Aggregation Database (gnomAD). This nucleotide position is highly conserved in available vertebrate species. In silico splice site analysis predicts that this alteration will weaken the native splice donor site. Based on the available evidence, this alteration is classified as likely pathogenic.